The following is an entry in ClinVar:

NM_001374736.1(DST):c.4873A>G (p.Met1625Val)

Gene: DST (dystonin; minus strand). Cytogenetic location: 6p12.1.
Variant type: single nucleotide variant.
Coding change: c.4873A>G on transcript NM_001374736.1 (MANE Select); coding-DNA position 4873, A replaced by G.
Protein change: p.Met1625Val; replaces methionine 1625 with valine.
Molecular consequence: missense variant.
Genome position (GRCh38, 1-based): chr6:56,624,586, T>C on the plus strand (A>G on the coding strand, the complement: DST is on the minus strand). VCF-style: chr6-56624586-T-C. GRCh37 (hg19) VCF-style: chr6-56489384-T-C.
Other names: c.4774A>G, p.Met1592Val (NM_001144769.5); c.4360A>G, p.Met1454Val (NM_001144770.2); c.4873A>G, p.Met1625Val (NM_001374722.1); c.4240A>G, p.Met1414Val (NM_001374729.1, NM_001374730.1, NM_001386100.1 and 1 more transcripts); c.4900A>G, p.Met1634Val (NM_001374734.1); c.3262A>G, p.Met1088Val (NM_001723.7, NM_015548.5); short protein forms M1454V, M1625V, M1592V, M1088V, M1414V, M1634V.
Identifiers: ClinVar variation 1510310 (VCV001510310.8), dbSNP rs866693726, ClinGen allele CA139212020.

ClinVar aggregate classification (germline): Uncertain significance (1 of 4 stars; one submission).

Conditions:
Hereditary sensory and autonomic neuropathy type 6. Also called: Neuropathy, hereditary sensory and autonomic, type VI; HSAN VI. Identifiers: Orphanet 314381, MedGen C3539003, MONDO:0013839, OMIM 614653.
Epidermolysis bullosa simplex 3, localized or generalized intermediate, with BP230 deficiency (EBS3). Also called: Epidermolysis bullosa simplex due to BP230 deficiency; Epidermolysis bullosa simplex, autosomal recessive 2. Identifiers: Orphanet 412181, MedGen C3809470, MONDO:0014180, OMIM 615425.

Submission:

Labcorp Genetics (formerly Invitae), Labcorp
Classification: Uncertain significance for Epidermolysis bullosa simplex 3, localized or generalized intermediate, with BP230 deficiency; Hereditary sensory and autonomic neuropathy type 6. Last evaluated: 2021-02-22. Review status: criteria provided, single submitter. Criteria: Invitae Variant Classification Sherloc (09022015). Collection method: clinical testing. Allele origin: germline.
Comment: In summary, the available evidence is currently insufficient to determine the role of this variant in disease. Therefore, it has been classified as a Variant of Uncertain Significance. Algorithms developed to predict the effect of missense changes on protein structure and function are either unavailable or do not agree on the potential impact of this missense change (SIFT: "Deleterious"; PolyPhen-2: "Benign"; Align-GVGD: "Class C0"). This variant has not been reported in the literature in individuals with DST-related conditions. This variant is not present in population databases (ExAC no frequency). This sequence change replaces methionine with valine at codon 1088 of the DST protein (p.Met1088Val). The methionine residue is highly conserved and there is a small physicochemical difference between methionine and valine.